The following is an entry in ClinVar:

ClinVar aggregate classification (germline): Benign. Review status: criteria provided, multiple submitters, no conflicts (2 of 4 stars). 2 submissions from 2 submitters: Benign (2). Last evaluated 2018-01-13.

Conditions:
Neurofibromatosis, type 2 (SWNV). Also called: SCHWANNOMATOSIS, VESTIBULAR; BILATERAL ACOUSTIC NEUROFIBROMATOSIS; NF2-Related Schwannomatosis. Identifiers: Orphanet 637, MedGen C0027832, MONDO:0007039, OMIM 101000. Disease mechanism: loss of function.

Allele frequency attached by ClinVar (database versions not stated): gnomAD exomes 0.11215; TOPMed 0.14006; gnomAD 0.14134 and 0.14218; 1000 Genomes Project 0.14437; 1000 Genomes Project 30x 0.14834.
gnomAD v4.1: 30,216 of 229,442 alleles (13%); highest among the groups gnomAD compares: African/African-American, 19%; 2,237 homozygotes.

Submissions (2):

Illumina Laboratory Services, Illumina
Classification: Benign for Neurofibromatosis, type 2. Last evaluated: 2018-01-13. Review status: criteria provided, single submitter. Criteria: ICSL Variant Classification Criteria 13 December 2019. Collection method: clinical testing. Allele origin: germline.
Comment: This variant was observed in the ICSL laboratory as part of a predisposition screen in an ostensibly healthy population. It had not been previously curated by ICSL or reported in the Human Gene Mutation Database (HGMD: prior to June 1st, 2018), and was therefore a candidate for classification through an automated scoring system. Utilizing variant allele frequency, disease prevalence and penetrance estimates, and inheritance mode, an automated score was calculated to assess if this variant is too frequent to cause the disease. Based on the score and internal cut-off values, a variant classified as benign is not then subjected to further curation. The score for this variant resulted in a classification of benign for this disease.

Breakthrough Genomics
Classification: Benign. Review status: criteria provided, single submitter. Criteria: ACMG Guidelines, 2015. Collection method: not provided. Allele origin: germline. Inheritance: Autosomal dominant inheritance. Affected: yes.

NM_000268.4(NF2):c.*3274G>A

Gene: NF2 (NF2, moesin-ezrin-radixin like (MERLIN) tumor suppressor; plus strand). Cytogenetic location: 22q12.2.
Variant type: single nucleotide variant.
Coding change: c.*3274G>A on transcript NM_000268.4 (MANE Select); 3274 bases downstream of the stop codon, G replaced by A.
Molecular consequence: 3 prime UTR variant. On other transcripts: non-coding transcript variant (1).
Genome position (GRCh38, 1-based): chr22:29,698,076, G>A. VCF-style: chr22-29698076-G-A. GRCh37 (hg19) VCF-style: chr22-30094065-G-A.
Other names: c.*3334G>A (NM_016418.5, NM_181828.3, NM_181829.3 and 1 more transcripts); c.*3349G>A (NM_181832.3); c.*3274G>A (NM_181833.3).
Identifiers: ClinVar variation 341167 (VCV000341167.6), dbSNP rs11090576, ClinGen allele CA10653344.